The following is an entry in ClinVar:

ClinVar aggregate classification (germline): Uncertain significance (1 of 4 stars; one submission).

Submission:

Labcorp Genetics (formerly Invitae), Labcorp
Classification: Uncertain significance. Last evaluated: 2021-11-23. Review status: criteria provided, single submitter. Criteria: Invitae Variant Classification Sherloc (09022015). Collection method: clinical testing. Allele origin: germline.
Comment: This sequence change replaces alanine, which is neutral and non-polar, with serine, which is neutral and polar, at codon 306 of the CERKL protein (p.Ala306Ser). In summary, the available evidence is currently insufficient to determine the role of this variant in disease. Therefore, it has been classified as a Variant of Uncertain Significance. Algorithms developed to predict the effect of missense changes on protein structure and function are either unavailable or do not agree on the potential impact of this missense change (SIFT: "Tolerated"; PolyPhen-2: "Possibly Damaging"; Align-GVGD: "Class C0"). This variant has not been reported in the literature in individuals affected with CERKL-related conditions. This variant is not present in population databases (gnomAD no frequency).

NM_201548.5(CERKL):c.838G>T (p.Ala280Ser)

Gene: CERKL (CERK like autophagy regulator; minus strand). Cytogenetic location: 2q31.3.
Variant type: single nucleotide variant.
Coding change: c.838G>T on transcript NM_201548.5 (MANE Select); coding-DNA position 838, G replaced by T.
Protein change: p.Ala280Ser; replaces alanine 280 with serine.
Molecular consequence: missense variant. On other transcripts: non-coding transcript variant (2).
Genome position (GRCh38, 1-based): chr2:181,549,691, C>A on the plus strand (G>T on the coding strand, the complement: CERKL is on the minus strand). VCF-style: chr2-181549691-C-A. GRCh37 (hg19) VCF-style: chr2-182414418-C-A.
Other names: c.916G>T, p.Ala306Ser (NM_001030311.3); c.499G>T, p.Ala167Ser (NM_001030312.3); c.631G>T, p.Ala211Ser (NM_001030313.3); c.784G>T, p.Ala262Ser (NM_001160277.2); short protein forms A211S, A280S, A306S, A262S, A167S.
Identifiers: ClinVar variation 1376723 (VCV001376723.6), dbSNP rs1687902361, ClinGen allele CA349737928.